The following is an entry in ClinVar:

ClinVar aggregate classification (germline): Uncertain significance. Review status: criteria provided, multiple submitters, no conflicts (2 of 4 stars). 6 submissions from 5 submitters: Uncertain significance (6). Last evaluated 2026-07-08.

Conditions:
Adams-Oliver syndrome 5 (AOS5). Identifiers: Orphanet 974, MedGen C4014970, MONDO:0014459, OMIM 616028.
Familial thoracic aortic aneurysm and aortic dissection (TAAD). Also called: Thoracic aortic aneurysms and dissections. Identifiers: Orphanet 91387, MedGen C4707243, MONDO:0019625.
Aortic valve disease 1 (AOVD1). Identifiers: MedGen C3887892, MONDO:0024523, OMIM 109730.

Allele frequency attached by ClinVar (database versions not stated): TOPMed below 0.00001; gnomAD exomes 0.00001.

Submissions (6):

GeneDx
Classification: Uncertain significance. Last evaluated: 2026-07-08. Review status: criteria provided, single submitter. Criteria: GeneDx Variant Classification Process June 2021. Collection method: clinical testing. Allele origin: germline.
Comment: Not observed at significant frequency in large population cohorts (gnomAD); In silico analysis suggests that this missense variant does not alter protein structure/function; Has not been previously published as pathogenic or benign to our knowledge

Ambry Genetics
Classification: Uncertain significance for Familial thoracic aortic aneurysm and aortic dissection. Last evaluated: 2025-03-25. Review status: criteria provided, single submitter. Criteria: Ambry Variant Classification Scheme 2023. Collection method: clinical testing. Allele origin: germline.
Comment: The p.A12V variant (also known as c.35C>T), located in coding exon 1 of the NOTCH1 gene, results from a C to T substitution at nucleotide position 35. The alanine at codon 12 is replaced by valine, an amino acid with similar properties. This amino acid position is conserved. In addition, this alteration is predicted to be tolerated by in silico analysis. Since supporting evidence is limited at this time, the clinical significance of this alteration remains unclear.

Labcorp Genetics (formerly Invitae), Labcorp
Classification: Uncertain significance for Adams-Oliver syndrome 5. Last evaluated: 2022-05-25. Review status: criteria provided, single submitter. Criteria: Invitae Variant Classification Sherloc (09022015). Collection method: clinical testing. Allele origin: germline.
Comment: In summary, the available evidence is currently insufficient to determine the role of this variant in disease. Therefore, it has been classified as a Variant of Uncertain Significance. Advanced modeling of protein sequence and biophysical properties (such as structural, functional, and spatial information, amino acid conservation, physicochemical variation, residue mobility, and thermodynamic stability) performed at Invitae indicates that this missense variant is not expected to disrupt NOTCH1 protein function. ClinVar contains an entry for this variant (Variation ID: 1314883). This variant has not been reported in the literature in individuals affected with NOTCH1-related conditions. This variant is not present in population databases (gnomAD no frequency). This sequence change replaces alanine, which is neutral and non-polar, with valine, which is neutral and non-polar, at codon 12 of the NOTCH1 protein (p.Ala12Val).

Genome-Nilou Lab
Classification: Uncertain significance for Adams-Oliver syndrome 5. Last evaluated: 2022-03-15. Review status: criteria provided, single submitter. Criteria: ACMG Guidelines, 2015. Collection method: clinical testing. Allele origin: germline. Affected: no.

Genome-Nilou Lab
Classification: Uncertain significance for Aortic valve disease 1. Last evaluated: 2022-03-15. Review status: criteria provided, single submitter. Criteria: ACMG Guidelines, 2015. Collection method: clinical testing. Allele origin: germline. Affected: no.

Fulgent Genetics
Classification: Uncertain significance for Aortic valve disease 1; Adams-Oliver syndrome 5. Last evaluated: 2021-07-26. Review status: criteria provided, single submitter. Criteria: ACMG Guidelines, 2015. Collection method: clinical testing. Allele origin: unknown.

NM_017617.5(NOTCH1):c.35C>T (p.Ala12Val)

Genes: NOTCH1 (notch receptor 1; minus strand), LOC130003020 (ATAC-STARR-seq lymphoblastoid silent region 20528; plus strand). Cytogenetic location: 9q34.3.
Variant type: single nucleotide variant.
Coding change: c.35C>T on transcript NM_017617.5 (MANE Select); coding-DNA position 35, C replaced by T.
Protein change: p.Ala12Val; replaces alanine 12 with valine.
Molecular consequence: missense variant.
Genome position (GRCh38, 1-based): chr9:136,545,752, G>A on the plus strand (C>T on the coding strand, the complement: NOTCH1 is on the minus strand). VCF-style: chr9-136545752-G-A. GRCh37 (hg19) VCF-style: chr9-139440204-G-A.
Other names: short protein forms A12V.
Identifiers: ClinVar variation 1314883 (VCV001314883.13), dbSNP rs1473062369, ClinGen allele CA375579834.